The following is an entry in ClinVar:

NM_001267550.2(TTN):c.33742+11A>G

Gene: TTN (titin; minus strand). Cytogenetic location: 2q31.2.
Variant type: single nucleotide variant.
Coding change: c.33742+11A>G on transcript NM_001267550.2 (MANE Select); 11 bases into the intron after coding-DNA position 33742, A replaced by G.
Molecular consequence: intron variant.
Genome position (GRCh38, 1-based): chr2:178,679,328, T>C on the plus strand (A>G on the coding strand, the complement: TTN is on the minus strand). VCF-style: chr2-178679328-T-C. GRCh37 (hg19) VCF-style: chr2-179544055-T-C.
Other names: c.13283-37011A>G (NM_003319.4); c.13859-37011A>G (NM_133437.4); c.13658-37011A>G (NM_133432.3); c.30010+11A>G (NM_133378.4); c.32791+11A>G (NM_001256850.1).
Identifiers: ClinVar variation 46891 (VCV000046891.30), dbSNP rs72650042, ClinGen allele CA283158.

ClinVar aggregate classification (germline): Benign/Likely benign. Review status: criteria provided, multiple submitters, no conflicts (2 of 4 stars). 20 submissions from 13 submitters: Benign (11); Likely benign (5). 4 of the submissions do not count toward it. Last evaluated 2026-02-03.

Conditions:
Autosomal recessive limb-girdle muscular dystrophy type 2J (LGMDR10). Also called: Limb-girdle muscular dystrophy, type 2J; MUSCULAR DYSTROPHY, LIMB-GIRDLE, AUTOSOMAL RECESSIVE 10. Identifiers: Orphanet 140922, MedGen C1837342, MONDO:0012127, OMIM 608807.
Dilated cardiomyopathy 1G (CMD1G). Identifiers: Orphanet 154, MedGen C1858763, MONDO:0011400, OMIM 604145.
Early-onset myopathy with fatal cardiomyopathy (CMYO5). Also called: Salih Myopathy; CONGENITAL MYOPATHY 5 WITH CARDIOMYOPATHY. Identifiers: Orphanet 289377, MedGen C2673677, MONDO:0012714, OMIM 611705. Disease mechanism: loss of function.
Myopathy, myofibrillar, 9, with early respiratory failure (MFM9). Also called: EDSTROM MYOPATHY; MYOPATHY, PROXIMAL, WITH EARLY RESPIRATORY MUSCLE INVOLVEMENT; Hereditary myopathy with early respiratory failure; Myopathy, distal, with early respiratory failure, autosomal dominant. Identifiers: Orphanet 178464, Orphanet 34521, MedGen C1863599, MONDO:0011362, OMIM 603689.
Tibial muscular dystrophy (TMD). Also called: Udd Distal Myopathy – Tibial Muscular Dystrophy; UDD MYOPATHY; Tibial muscular dystrophy, tardive. Identifiers: Orphanet 609, MedGen C1838244, MONDO:0010870, OMIM 600334.

Allele frequency attached by ClinVar (database versions not stated): 1000 Genomes Project 0.00359; 1000 Genomes Project 30x 0.00375; ESP Exome Variant Server 0.00400; gnomAD 0.00433 and 0.00463; TOPMed 0.00527.
gnomAD v4.1: 2,331 of 1,612,166 alleles (0.14%); highest among the groups gnomAD compares: African/African-American, 1.2%; 13 homozygotes.

Submissions (20):

Labcorp Genetics (formerly Invitae), Labcorp
Classification: Benign for Dilated cardiomyopathy 1G; Autosomal recessive limb-girdle muscular dystrophy type 2J. Last evaluated: 2026-02-03. Review status: criteria provided, single submitter. Criteria: Invitae Variant Classification Sherloc (09022015). Collection method: clinical testing. Allele origin: germline.

ARUP Laboratories, Molecular Genetics and Genomics, ARUP Laboratories
Classification: Benign. Last evaluated: 2025-03-27. Review status: criteria provided, single submitter. Criteria: ARUP Molecular Germline Variant Investigation Process 2024. Collection method: clinical testing. Allele origin: germline.

Blueprint Genetics
Classification: Likely benign. Last evaluated: 2024-11-26. Review status: criteria provided, single submitter. Criteria: ACMG Guidelines, 2015. Collection method: clinical testing. Allele origin: germline.

Genome-Nilou Lab
Classification: Benign for Autosomal recessive limb-girdle muscular dystrophy type 2J. Last evaluated: 2021-09-10. Review status: criteria provided, single submitter. Criteria: ACMG Guidelines, 2015. Collection method: clinical testing. Allele origin: germline. Affected: no.

Genome-Nilou Lab
Classification: Benign for Myopathy, myofibrillar, 9, with early respiratory failure. Last evaluated: 2021-09-10. Review status: criteria provided, single submitter. Criteria: ACMG Guidelines, 2015. Collection method: clinical testing. Allele origin: germline. Affected: no.

Genome-Nilou Lab
Classification: Benign for Early-onset myopathy with fatal cardiomyopathy. Last evaluated: 2021-09-10. Review status: criteria provided, single submitter. Criteria: ACMG Guidelines, 2015. Collection method: clinical testing. Allele origin: germline. Affected: no.

Genome-Nilou Lab
Classification: Benign for Tibial muscular dystrophy. Last evaluated: 2021-09-10. Review status: criteria provided, single submitter. Criteria: ACMG Guidelines, 2015. Collection method: clinical testing. Allele origin: germline. Affected: no.

Women's Health and Genetics/Laboratory Corporation of America, LabCorp
Classification: Benign. Last evaluated: 2020-03-10. Review status: criteria provided, single submitter. Criteria: LabCorp Variant Classification Summary - May 2015. Collection method: clinical testing. Allele origin: germline.

Illumina Laboratory Services, Illumina
Classification: Benign for Tibial muscular dystrophy. Last evaluated: 2018-01-13. Review status: criteria provided, single submitter. Criteria: ICSL Variant Classification Criteria 13 December 2019. Collection method: clinical testing. Allele origin: germline.
Comment: This variant was observed in the ICSL laboratory as part of a predisposition screen in an ostensibly healthy population. It had not been previously curated by ICSL or reported in the Human Gene Mutation Database (HGMD: prior to June 1st, 2018), and was therefore a candidate for classification through an automated scoring system. Utilizing variant allele frequency, disease prevalence and penetrance estimates, and inheritance mode, an automated score was calculated to assess if this variant is too frequent to cause the disease. Based on the score and internal cut-off values, a variant classified as benign is not then subjected to further curation. The score for this variant resulted in a classification of benign for this disease.

Illumina Laboratory Services, Illumina
Classification: Likely benign for Dilated cardiomyopathy 1G. Last evaluated: 2018-01-13. Review status: criteria provided, single submitter. Criteria: ICSL Variant Classification Criteria 13 December 2019. Collection method: clinical testing. Allele origin: germline.
Comment: This variant was observed in the ICSL laboratory as part of a predisposition screen in an ostensibly healthy population. It had not been previously curated by ICSL or reported in the Human Gene Mutation Database (HGMD: prior to June 1st, 2018), and was therefore a candidate for classification through an automated scoring system. Utilizing variant allele frequency, disease prevalence and penetrance estimates, and inheritance mode, an automated score was calculated to assess if this variant is too frequent to cause the disease. Based on the score and internal cut-off values, a variant classified as likely benign is not then subjected to further curation. The score for this variant resulted in a classification of likely benign for this disease.

Illumina Laboratory Services, Illumina
Classification: Benign for Myopathy, myofibrillar, 9, with early respiratory failure. Last evaluated: 2018-01-13. Review status: criteria provided, single submitter. Criteria: ICSL Variant Classification Criteria 13 December 2019. Collection method: clinical testing. Allele origin: germline.
Comment: the same text as in the submission from Illumina Laboratory Services, Illumina above.

Illumina Laboratory Services, Illumina
Classification: Likely benign for Early-onset myopathy with fatal cardiomyopathy. Last evaluated: 2018-01-13. Review status: criteria provided, single submitter. Criteria: ICSL Variant Classification Criteria 13 December 2019. Collection method: clinical testing. Allele origin: germline.
Comment: the same text as in the submission from Illumina Laboratory Services, Illumina above.

Illumina Laboratory Services, Illumina
Classification: Likely benign for Autosomal recessive limb-girdle muscular dystrophy type 2J. Last evaluated: 2018-01-13. Review status: criteria provided, single submitter. Criteria: ICSL Variant Classification Criteria 13 December 2019. Collection method: clinical testing. Allele origin: germline.
Comment: the same text as in the submission from Illumina Laboratory Services, Illumina above.

GeneDx
Classification: Benign. Last evaluated: 2013-04-26. Review status: criteria provided, single submitter. Criteria: GeneDx Variant Classification (06012015). Collection method: clinical testing. Allele origin: germline. Affected: yes.
Comment: This variant is considered likely benign or benign based on one or more of the following criteria: it is a conservative change, it occurs at a poorly conserved position in the protein, it is predicted to be benign by multiple in silico algorithms, and/or has population frequency not consistent with disease.

Laboratory for Molecular Medicine, Mass General Brigham Personalized Medicine
Classification: Benign. Last evaluated: 2012-03-19. Review status: criteria provided, single submitter. Criteria: LMM Criteria. Collection method: clinical testing. Allele origin: germline. Observed: 12 variant alleles.
Comment: c.30010+11A>G in Intron 139 of TTN: This variant is not expected to have clinica l significance because it is not located within the splice consensus sequence an d has been identified in 0.9% (28/3102) of African American chromosomes from a b road population by the NHLBI Exome Sequencing Project (. edu/EVS; dbSNP rs72650042).

Breakthrough Genomics
Classification: Likely benign. Review status: criteria provided, single submitter. Criteria: ACMG Guidelines, 2015. Collection method: not provided. Allele origin: germline. Inheritance: Autosomal recessive inheritance. Affected: yes.

Clinical Genetics DNA and cytogenetics Diagnostics Lab, Erasmus MC, Erasmus Medical Center
Classification: Likely benign. Review status: no assertion criteria provided. Collection method: clinical testing. Allele origin: germline. Affected: yes. Study: VKGL Data-share Consensus. Not counted in ClinVar's aggregate classification.

Clinical Genetics, Academic Medical Center
Classification: Benign. Review status: no assertion criteria provided. Collection method: clinical testing. Allele origin: germline. Affected: yes. Study: VKGL Data-share Consensus. Not counted in ClinVar's aggregate classification.

Diagnostic Laboratory, Department of Genetics, University Medical Center Groningen
Classification: Likely benign. Review status: no assertion criteria provided. Collection method: clinical testing. Allele origin: germline. Affected: yes. Study: VKGL Data-share Consensus. Not counted in ClinVar's aggregate classification.

Laboratory of Diagnostic Genome Analysis, Leiden University Medical Center (LUMC)
Classification: Likely benign. Review status: no assertion criteria provided. Collection method: clinical testing. Allele origin: germline. Affected: yes. Study: VKGL Data-share Consensus. Not counted in ClinVar's aggregate classification.